The following is an entry in ClinVar:

ClinVar aggregate classification (germline): Uncertain significance (1 of 4 stars; one submission).

Conditions:
Angelman syndrome-like. Identifiers: MedGen CN128785.
Developmental and epileptic encephalopathy, 2 (DEE2). Also called: INFANTILE SPASM SYNDROME, X-LINKED 2; CDKL5 deficiency disorder. Identifiers: Orphanet 1934, Orphanet 3451, Orphanet 505652, MedGen C4750718, MONDO:0010396, OMIM 300672.

Submission:

Labcorp Genetics (formerly Invitae), Labcorp
Classification: Uncertain significance for Developmental and epileptic encephalopathy, 2; Angelman syndrome-like. Last evaluated: 2021-02-28. Review status: criteria provided, single submitter. Criteria: Invitae Variant Classification Sherloc (09022015). Collection method: clinical testing. Allele origin: germline.
Comment: This variant is not present in population databases (ExAC no frequency). This variant, c.844_855del, results in the deletion of 4 amino acid(s) of the CDKL5 protein (p.Pro282_Arg285del), but otherwise preserves the integrity of the reading frame. This variant has not been reported in the literature in individuals with CDKL5-related conditions. Experimental studies and prediction algorithms are not available or were not evaluated, and the functional significance of this variant is currently unknown. This variant disrupts the p.Arg285 amino acid residue in CDKL5. Other variant(s) that disrupt this residue have been determined to be pathogenic (Invitae). This suggests that this residue is clinically significant, and that variants that disrupt this residue are likely to be disease-causing. In summary, the available evidence is currently insufficient to determine the role of this variant in disease. Therefore, it has been classified as a Variant of Uncertain Significance.

NM_001323289.2(CDKL5):c.844_855del (p.Pro282_Arg285del)

Gene: CDKL5 (cyclin dependent kinase like 5; plus strand). Cytogenetic location: Xp22.13.
Variant type: Deletion.
Coding change: c.844_855del on transcript NM_001323289.2 (MANE Select); coding-DNA positions 844 to 855, 12 bases deleted (CCAGCTGACAGA).
Protein change: p.Pro282_Arg285del.
Molecular consequence: inframe deletion.
Genome position (GRCh38, 1-based): chrX:18,598,480-18,598,491, CCAGCTGACAGA deleted. VCF-style (leftmost placement, unchanged base first): chrX-18598479-CCCAGCTGACAGA-C. GRCh37 (hg19) VCF-style: chrX-18616599-CCCAGCTGACAGA-C.
Other names: c.844_855del, p.Pro282_Arg285del (NM_001037343.2, NM_003159.3).
Identifiers: ClinVar variation 1474422 (VCV001474422.8), dbSNP rs2147156103, ClinGen allele CA2573158462.